The following is an entry in ClinVar:

ClinVar aggregate classification (germline): Uncertain significance (1 of 4 stars; one submission).

Conditions:
Familial hypobetalipoproteinemia 1. Also called: APOB-Related Familial Hypobetalipoproteinemia; Hypobetalipoproteinemia, normotriglyceridemic; Acanthocytosis with hypobetalipoproteinemia. Identifiers: MedGen C4551990, MONDO:0014252, OMIM 615558.
Hypercholesterolemia, autosomal dominant, type B (FHCL2). Also called: APOB-Related Familial Hypercholesterolemia, Autosomal Dominant; Familial hypercholesterolemia 2; Familial Hypercholesterolemia Type B; APOLIPOPROTEIN B-100, FAMILIAL DEFECTIVE; APOLIPOPROTEIN B-100, FAMILIAL LIGAND-DEFECTIVE; HYPERCHOLESTEROLEMIA, FAMILIAL, DUE TO LIGAND-DEFECTIVE APOLIPOPROTEIN B. Identifiers: MedGen C1704417, MONDO:0007751, OMIM 144010.

Submission:

Labcorp Genetics (formerly Invitae), Labcorp
Classification: Uncertain significance for Familial hypobetalipoproteinemia 1; Hypercholesterolemia, autosomal dominant, type B. Last evaluated: 2025-11-23. Review status: criteria provided, single submitter. Criteria: Invitae Variant Classification Sherloc (09022015). Collection method: clinical testing. Allele origin: germline.
Comment: This sequence change replaces lysine, which is basic and polar, with threonine, which is neutral and polar, at codon 1476 of the APOB protein (p.Lys1476Thr). This variant is not present in population databases (gnomAD no frequency). This variant has not been reported in the literature in individuals affected with APOB-related conditions. Invitae Evidence Modeling of protein sequence and biophysical properties (such as structural, functional, and spatial information, amino acid conservation, physicochemical variation, residue mobility, and thermodynamic stability) indicates that this missense variant is not expected to disrupt APOB protein function with a negative predictive value of 95%. In summary, the available evidence is currently insufficient to determine the role of this variant in disease. Therefore, it has been classified as a Variant of Uncertain Significance.

NM_000384.3(APOB):c.4427A>C (p.Lys1476Thr)

Gene: APOB (apolipoprotein B; minus strand). Cytogenetic location: 2p24.1.
Variant type: single nucleotide variant.
Coding change: c.4427A>C on transcript NM_000384.3 (MANE Select); coding-DNA position 4427, A replaced by C.
Protein change: p.Lys1476Thr; replaces lysine 1476 with threonine.
Molecular consequence: missense variant.
Genome position (GRCh38, 1-based): chr2:21,012,441, T>G on the plus strand (A>C on the coding strand, the complement: APOB is on the minus strand). VCF-style: chr2-21012441-T-G. GRCh37 (hg19) VCF-style: chr2-21235313-T-G.
Other names: short protein forms K1476T.
Identifiers: ClinVar variation 4789291 (VCV004789291.1).